The following is an entry in ClinVar:

ClinVar aggregate classification (germline): Uncertain significance. Review status: criteria provided, single submitter (1 of 4 stars). 2 submissions from 2 submitters: Uncertain significance (1). 1 of the submissions does not count toward it. Last evaluated 2019-05-22.

Conditions:
Retinal dystrophy. Also called: Inherited retinal dystrophy. Identifiers: Orphanet 71862, MedGen C0854723, MeSH D058499, MONDO:0019118, HP:0000556.

Allele frequency attached by ClinVar (database versions not stated): gnomAD exomes below 0.00001.
gnomAD v4.1: 2 of 1,613,692 alleles (0.00012%); highest among the groups gnomAD compares: South Asian, 0.0011%; no homozygotes.

Submissions (2):

ARUP Laboratories, Molecular Genetics and Genomics, ARUP Laboratories
Classification: Uncertain significance. Last evaluated: 2019-05-22. Review status: criteria provided, single submitter. Criteria: ARUP Molecular Germline Variant Investigation Process. Collection method: clinical testing. Allele origin: germline.
Comment: The USH2A c.10934T>A; p.Val3645Asp variant, to our knowledge, is not reported in the medical literature or gene-specific databases. This variant is also absent from general population databases (Exome Variant Server, Genome Aggregation Database), indicating it is not a common polymorphism. The valine at codon 3645 is highly conserved, but computational analyses (SIFT: tolerated, PolyPhen-2: damaging) predict conflicting effects of this variant on protein structure/function. However, due to limited information, the clinical significance of the p.Val3645Asp variant is uncertain at this time.

Institute of Human Genetics, Univ. Regensburg, Univ. Regensburg
Classification: Likely pathogenic for Retinal dystrophy. Last evaluated: 2020-01-01. Review status: no assertion criteria provided. Criteria: ACMG Guidelines, 2015. Collection method: clinical testing. Allele origin: germline. Affected: yes. Not counted in ClinVar's aggregate classification.

NM_206933.4(USH2A):c.10934T>A (p.Val3645Asp)

Gene: USH2A (usherin; minus strand). Cytogenetic location: 1q41.
Variant type: single nucleotide variant.
Coding change: c.10934T>A on transcript NM_206933.4 (MANE Select); coding-DNA position 10934, T replaced by A.
Protein change: p.Val3645Asp; replaces valine 3645 with aspartic acid.
Molecular consequence: missense variant.
Genome position (GRCh38, 1-based): chr1:215,779,848, A>T on the plus strand (T>A on the coding strand, the complement: USH2A is on the minus strand). VCF-style: chr1-215779848-A-T. GRCh37 (hg19) VCF-style: chr1-215953190-A-T.
Other names: short protein forms V3645D.
Identifiers: ClinVar variation 812013 (VCV000812013.9), dbSNP rs1571678968, ClinGen allele CA344832989.